The following is an entry in ClinVar:

ClinVar aggregate classification (germline): Uncertain significance (1 of 4 stars; one submission).

Conditions:
Inborn genetic diseases. Identifiers: MedGen C0950123, MeSH D030342.

gnomAD v4.1: 2 of 1,613,878 alleles (0.00012%); highest among the groups gnomAD compares: African/African-American, 0.0027%; no homozygotes.

Submission:

Ambry Genetics
Classification: Uncertain significance for Inborn genetic diseases. Last evaluated: 2025-02-28. Review status: criteria provided, single submitter. Criteria: Ambry Variant Classification Scheme 2023. Collection method: clinical testing. Allele origin: germline.
Comment: The p.A290T variant (also known as c.868G>A), located in coding exon 5 of the ERCC6L2 gene, results from a G to A substitution at nucleotide position 868. The alanine at codon 290 is replaced by threonine, an amino acid with similar properties. This amino acid position is conserved. In addition, the in silico prediction for this alteration is inconclusive. Based on the available evidence, the clinical significance of this variant remains unclear.

NM_020207.7(ERCC6L2):c.868G>A (p.Ala290Thr)

Gene: ERCC6L2 (ERCC excision repair 6 like 2; plus strand). Cytogenetic location: 9q22.32.
Variant type: single nucleotide variant.
Coding change: c.868G>A on transcript NM_020207.7 (MANE Select); coding-DNA position 868, G replaced by A.
Protein change: p.Ala290Thr; replaces alanine 290 with threonine.
Molecular consequence: missense variant. On other transcripts: non-coding transcript variant (1).
Genome position (GRCh38, 1-based): chr9:95,915,747, G>A. VCF-style: chr9-95915747-G-A. GRCh37 (hg19) VCF-style: chr9-98678029-G-A.
Other names: c.868G>A, p.Ala290Thr (NM_001010895.4, NM_001375291.1, NM_001375292.1 and 2 more transcripts); short protein forms A290T.
Identifiers: ClinVar variation 3845966 (VCV003845966.1).